The following is an entry in ClinVar:

NM_001042492.3(NF1):c.634G>A (p.Val212Ile)

Gene: NF1 (neurofibromin 1; plus strand). Cytogenetic location: 17q11.2.
Variant type: single nucleotide variant.
Coding change: c.634G>A on transcript NM_001042492.3 (MANE Select); coding-DNA position 634, G replaced by A.
Protein change: p.Val212Ile; replaces valine 212 with isoleucine.
Molecular consequence: missense variant.
Genome position (GRCh38, 1-based): chr17:31,181,469, G>A. VCF-style: chr17-31181469-G-A. GRCh37 (hg19) VCF-style: chr17-29508487-G-A.
Other names: c.634G>A, p.Val212Ile (NM_000267.4, NM_001128147.3); short protein forms V212I.
Identifiers: ClinVar variation 1387837 (VCV001387837.6), dbSNP rs2143774495, ClinGen allele CA398989414.
Genomic context (GRCh38, chr17:31,181,469, plus strand): 5'-GTGTTTTTTCCAGAAACAGCATTTAAATTTAAAGCCCTAAAGAAGGTTGCGCAGTTAGCA[G>A]TTATAAATAGCCTGGAAAAGGTAAGTTACAACCTCTCTGGTATTAAAATTTTGTTTTTGA-3'
Protein context (NP_001035957.1, residues 202-222): KALKKVAQLA[Val212Ile]INSLEKAFWN

ClinVar aggregate classification (germline): Uncertain significance (1 of 4 stars; one submission).

Conditions:
Neurofibromatosis, type 1 (NF1). Also called: VON RECKLINGHAUSEN DISEASE; Neurofibromatosis, type I; NEUROFIBROMATOSIS, TYPE I, SOMATIC; Peripheral type neurofibromatosis. Identifiers: Orphanet 636, MedGen C0027831, MONDO:0018975, OMIM 162200. Disease mechanism: loss of function.

Submission:

Labcorp Genetics (formerly Invitae), Labcorp
Classification: Uncertain significance for Neurofibromatosis, type 1. Last evaluated: 2021-10-19. Review status: criteria provided, single submitter. Criteria: Invitae Variant Classification Sherloc (09022015). Collection method: clinical testing. Allele origin: germline.
Comment: In summary, the available evidence is currently insufficient to determine the role of this variant in disease. Therefore, it has been classified as a Variant of Uncertain Significance. Algorithms developed to predict the effect of missense changes on protein structure and function are either unavailable or do not agree on the potential impact of this missense change (SIFT: "Deleterious"; PolyPhen-2: "Possibly Damaging"; Align-GVGD: "Class C0"). This variant has not been reported in the literature in individuals affected with NF1-related conditions. This variant is not present in population databases (ExAC no frequency). This sequence change replaces valine with isoleucine at codon 212 of the NF1 protein (p.Val212Ile). The valine residue is highly conserved and there is a small physicochemical difference between valine and isoleucine.